The following is an entry in ClinVar:

NM_138694.4(PKHD1):c.501del (p.Phe167fs)

Gene: PKHD1 (PKHD1 ciliary IPT domain containing fibrocystin/polyductin; minus strand). Cytogenetic location: 6p12.2.
Variant type: Deletion.
Coding change: c.501del on transcript NM_138694.4 (MANE Select); coding-DNA position 501, one base deleted (T; older notation c.501delT).
Protein change: p.Phe167fs; shifts the reading frame from phenylalanine 167.
Molecular consequence: frameshift variant.
Genome position (GRCh38, 1-based): chr6:52,073,489, A deleted on the plus strand (T on the coding strand, the reverse complement: PKHD1 is on the minus strand); the first of 4 consecutive A bases (chr6:52,073,489-52,073,492); deleting any one gives the same sequence. VCF-style (leftmost placement, unchanged base first): chr6-52073488-CA-C. GRCh37 (hg19) VCF-style: chr6-51938286-CA-C.
Other names: c.501del, p.Phe167fs (NM_170724.3); short protein forms F167fs.
Identifiers: ClinVar variation 4060309 (VCV004060309.2).

ClinVar aggregate classification (germline): Likely pathogenic (1 of 4 stars; one submission).

Conditions:
Autosomal recessive polycystic kidney disease (ARPKD). Also called: AR polycystic kidney disease. Identifiers: Orphanet 731, Orphanet 8378, MedGen C0085548, MeSH D017044, MONDO:0009889.

Submission:

Natera, Inc.
Classification: Likely pathogenic for Autosomal recessive polycystic kidney disease. Last evaluated: 2025-02-03. Review status: criteria provided, single submitter. Criteria: Natera Variant Classification Schema (03/2026). Collection method: clinical testing. Allele origin: germline.
Comment: The c.501del variant in PKHD1 is a frameshift variant predicted to shift the reading frame beginning at codon 167 and leads to a stop codon 12 codons downstream. This variant is expected to result in nonsense mediated decay, truncation, or a dysfunctional protein product. This variant is rare in the general population with a frequency below the threshold expected for the associated phenotype(s). Given the available evidence, this variant is classified as Likely Pathogenic.